The following is an entry in ClinVar:

NM_020686.6(ABAT):c.1163A>G (p.Lys388Arg)

Gene: ABAT (4-aminobutyrate aminotransferase; plus strand). Cytogenetic location: 16p13.2.
Variant type: single nucleotide variant.
Coding change: c.1163A>G on transcript NM_020686.6 (MANE Select); coding-DNA position 1163, A replaced by G.
Protein change: p.Lys388Arg; replaces lysine 388 with arginine.
Molecular consequence: missense variant.
Genome position (GRCh38, 1-based): chr16:8,776,384, A>G. VCF-style: chr16-8776384-A-G. GRCh37 (hg19) VCF-style: chr16-8870241-A-G.
Other names: c.1163A>G, p.Lys388Arg (NM_000663.5, NM_001127448.2, NM_001386600.1 and 6 more transcripts); c.1124A>G, p.Lys375Arg (NM_001386605.1); c.1100A>G, p.Lys367Arg (NM_001386606.1, NM_001386607.1); c.1070A>G, p.Lys357Arg (NM_001386608.1); c.1028A>G, p.Lys343Arg (NM_001386610.1, NM_001386611.1); c.965A>G, p.Lys322Arg (NM_001386612.1, NM_001386613.1); c.917A>G, p.Lys306Arg (NM_001386614.1); c.1259A>G, p.Lys420Arg (NM_001386615.1); short protein forms K357R, K375R, K322R, K388R, K306R, K343R, K367R, K420R.
Identifiers: ClinVar variation 1959251 (VCV001959251.5), dbSNP rs2060263446, ClinGen allele CA394690220.
Genomic context (GRCh38, chr16:8,776,384, plus strand): 5'-ACACCCGTTCCTCATTCCAGCCCTACCGGATCTTCAACACCTGGCTGGGGGACCCGTCCA[A>G]GAACCTGTTGCTGGCTGAGGTCATCAACATCATCAAGCGGGAGGACCTGCTAAATAATGC-3'
Protein context (NP_065737.2, residues 378-398): IFNTWLGDPS[Lys388Arg]NLLLAEVINI

ClinVar aggregate classification (germline): Uncertain significance (1 of 4 stars; one submission).

Conditions:
Gamma-aminobutyric acid transaminase deficiency (GABATD). Also called: GABA aminotransaminase deficiency; GABA transaminase deficiency; Gamma aminobutyrate transaminase deficiency; 4 alpha aminobutyrate transaminase deficiency. Identifiers: Orphanet 2066, MedGen C0342708, MONDO:0013166, OMIM 613163.

Submission:

Labcorp Genetics (formerly Invitae), Labcorp
Classification: Uncertain significance for Gamma-aminobutyric acid transaminase deficiency. Last evaluated: 2022-01-13. Review status: criteria provided, single submitter. Criteria: Invitae Variant Classification Sherloc (09022015). Collection method: clinical testing. Allele origin: germline.
Comment: This sequence change replaces lysine, which is basic and polar, with arginine, which is basic and polar, at codon 388 of the ABAT protein (p.Lys388Arg). This variant is not present in population databases (gnomAD no frequency). This variant has not been reported in the literature in individuals affected with ABAT-related conditions. Algorithms developed to predict the effect of missense changes on protein structure and function (SIFT, PolyPhen-2, Align-GVGD) all suggest that this variant is likely to be tolerated. In summary, the available evidence is currently insufficient to determine the role of this variant in disease. Therefore, it has been classified as a Variant of Uncertain Significance.